The following is an entry in ClinVar:

ClinVar aggregate classification (germline): Uncertain significance. Review status: criteria provided, multiple submitters, no conflicts (2 of 4 stars). 2 submissions from 2 submitters: Uncertain significance (2). Last evaluated 2022-06-20.

Conditions:
Emery-Dreifuss muscular dystrophy 4, autosomal dominant (EDMD4). Also called: EMERY-DREIFUSS MUSCULAR DYSTROPHY 4 WITH VARIABLE FEATURES. Identifiers: Orphanet 261, MedGen C2751807, MONDO:0013071, OMIM 612998.
Autosomal recessive ataxia, Beauce type. Also called: SYNE1-Related Autosomal Recessive Cerebellar Ataxia; Spinocerebellar ataxia, autosomal recessive 8; ATAXIA, RECESSIVE, OF BEAUCE; SYNE1 Deficiency. Identifiers: Orphanet 88644, MedGen C1853116, MONDO:0012549, OMIM 610743.

Allele frequency attached by ClinVar (database versions not stated): gnomAD exomes below 0.00001; ExAC 0.00001; gnomAD 0.00001; TOPMed 0.00002.
gnomAD v4.1: 4 of 1,613,988 alleles (0.00025%); highest among the groups gnomAD compares: Non-Finnish European, 0.00034%; no homozygotes.

Submissions (2):

Labcorp Genetics (formerly Invitae), Labcorp
Classification: Uncertain significance for Emery-Dreifuss muscular dystrophy 4, autosomal dominant; Autosomal recessive ataxia, Beauce type. Last evaluated: 2022-06-20. Review status: criteria provided, single submitter. Criteria: Invitae Variant Classification Sherloc (09022015). Collection method: clinical testing. Allele origin: germline.
Comment: This variant is present in population databases (rs748362030, gnomAD 0.0009%). In summary, the available evidence is currently insufficient to determine the role of this variant in disease. Therefore, it has been classified as a Variant of Uncertain Significance. Algorithms developed to predict the effect of missense changes on protein structure and function are either unavailable or do not agree on the potential impact of this missense change (SIFT: "Deleterious"; PolyPhen-2: "Benign"; Align-GVGD: "Class C0"). ClinVar contains an entry for this variant (Variation ID: 497847). This variant has not been reported in the literature in individuals affected with SYNE1-related conditions. This sequence change replaces alanine, which is neutral and non-polar, with serine, which is neutral and polar, at codon 2516 of the SYNE1 protein (p.Ala2516Ser).

Eurofins Ntd Llc (ga)
Classification: Uncertain significance. Last evaluated: 2016-10-12. Review status: criteria provided, single submitter. Criteria: EGL Classification Definitions 2015. Collection method: clinical testing. Allele origin: germline. Observed: 1 variant allele, 1 heterozygote.

NM_182961.4(SYNE1):c.7525G>T (p.Ala2509Ser)

Gene: SYNE1 (spectrin repeat containing nuclear envelope protein 1; minus strand). Cytogenetic location: 6q25.2.
Variant type: single nucleotide variant.
Coding change: c.7525G>T on transcript NM_182961.4 (MANE Select); coding-DNA position 7525, G replaced by T.
Protein change: p.Ala2509Ser; replaces alanine 2509 with serine.
Molecular consequence: missense variant.
Genome position (GRCh38, 1-based): chr6:152,396,806, C>A on the plus strand (G>T on the coding strand, the complement: SYNE1 is on the minus strand). VCF-style: chr6-152396806-C-A. GRCh37 (hg19) VCF-style: chr6-152717941-C-A.
Other names: c.7546G>T, p.Ala2516Ser (NM_033071.5); short protein forms A2509S, A2516S.
Identifiers: ClinVar variation 497847 (VCV000497847.12), dbSNP rs748362030, ClinGen allele CA4057804.